The following is an entry in ClinVar:

ClinVar aggregate classification (germline): Uncertain significance. Review status: criteria provided, multiple submitters, no conflicts (2 of 4 stars). 3 submissions from 3 submitters: Uncertain significance (3). Last evaluated 2025-01-14.

Conditions:
Hereditary nonpolyposis colorectal neoplasms. Identifiers: MedGen C0009405, MeSH D003123.
Hereditary cancer-predisposing syndrome. Also called: Neoplastic Syndromes, Hereditary; Tumor predisposition; Hereditary neoplastic syndrome; Hereditary Cancer Syndrome. Identifiers: Orphanet 140162, MedGen C0027672, MeSH D009386, MONDO:0015356.
Endometrial carcinoma. Also called: Endometrial carcinoma, somatic. Identifiers: MedGen C0476089, MONDO:0002447, OMIM 608089, HP:0012114.

Allele frequency attached by ClinVar (database versions not stated): gnomAD exomes below 0.00001.
gnomAD v4.1: 1 of 1,614,180 alleles (0.000062%); highest among the groups gnomAD compares: Non-Finnish European, 0.000085%; no homozygotes.

Submissions (3):

Ambry Genetics
Classification: Uncertain significance for Hereditary cancer-predisposing syndrome. Last evaluated: 2025-01-14. Review status: criteria provided, single submitter. Criteria: Ambry Variant Classification Scheme 2023. Collection method: clinical testing. Allele origin: germline.
Comment: The p.V296G variant (also known as c.887T>G), located in coding exon 4 of the MSH6 gene, results from a T to G substitution at nucleotide position 887. The valine at codon 296 is replaced by glycine, an amino acid with dissimilar properties. This amino acid position is conserved. In addition, this alteration is predicted to be tolerated by in silico analysis. Since supporting evidence is limited at this time, the clinical significance of this alteration remains unclear.

Labcorp Genetics (formerly Invitae), Labcorp
Classification: Uncertain significance for Hereditary nonpolyposis colorectal neoplasms. Last evaluated: 2024-07-08. Review status: criteria provided, single submitter. Criteria: Invitae Variant Classification Sherloc (09022015). Collection method: clinical testing. Allele origin: germline.
Comment: This sequence change replaces valine, which is neutral and non-polar, with glycine, which is neutral and non-polar, at codon 296 of the MSH6 protein (p.Val296Gly). This variant is not present in population databases (gnomAD no frequency). This variant has not been reported in the literature in individuals affected with MSH6-related conditions. ClinVar contains an entry for this variant (Variation ID: 663870). Advanced modeling of protein sequence and biophysical properties (such as structural, functional, and spatial information, amino acid conservation, physicochemical variation, residue mobility, and thermodynamic stability) performed at Invitae indicates that this missense variant is not expected to disrupt MSH6 protein function with a negative predictive value of 95%. In summary, the available evidence is currently insufficient to determine the role of this variant in disease. Therefore, it has been classified as a Variant of Uncertain Significance.

Baylor Genetics
Classification: Uncertain significance for Endometrial carcinoma. Last evaluated: 2023-10-24. Review status: criteria provided, single submitter. Criteria: ACMG Guidelines, 2015. Collection method: clinical testing. Allele origin: unknown.

NM_000179.3(MSH6):c.887T>G (p.Val296Gly)

Gene: MSH6 (mutS homolog 6; plus strand). Cytogenetic location: 2p16.3.
Variant type: single nucleotide variant.
Coding change: c.887T>G on transcript NM_000179.3 (MANE Select); coding-DNA position 887, T replaced by G.
Protein change: p.Val296Gly; replaces valine 296 with glycine.
Molecular consequence: missense variant. On other transcripts: 5 prime UTR variant (2).
Genome position (GRCh38, 1-based): chr2:47,798,870, T>G. VCF-style: chr2-47798870-T-G. GRCh37 (hg19) VCF-style: chr2-48026009-T-G.
Other names: c.497T>G, p.Val166Gly (NM_001281492.2); c.-20T>G (NM_001281493.2, NM_001281494.2); short protein forms V166G, V296G.
Identifiers: ClinVar variation 663870 (VCV000663870.13), dbSNP rs1572720726, ClinGen allele CA346740681.